The following is an entry in ClinVar:

NM_001374353.1(GLI2):c.131C>T (p.Ala44Val)

Gene: GLI2 (GLI family zinc finger 2; plus strand). Cytogenetic location: 2q14.2.
Variant type: single nucleotide variant.
Coding change: c.131C>T on transcript NM_001374353.1 (MANE Select); coding-DNA position 131, C replaced by T.
Protein change: p.Ala44Val; replaces alanine 44 with valine.
Molecular consequence: missense variant. On other transcripts: 5 prime UTR variant (1).
Genome position (GRCh38, 1-based): chr2:120,797,451, C>T. VCF-style: chr2-120797451-C-T. GRCh37 (hg19) VCF-style: chr2-121555027-C-T.
Other names: c.131C>T, p.Ala44Val (NM_001371271.1, NM_005270.5); c.-139C>T (NM_001374354.1); short protein forms A44V.
Identifiers: ClinVar variation 893358 (VCV000893358.35), dbSNP rs200095340, ClinGen allele CA1851405.

ClinVar aggregate classification (germline): Benign/Likely benign. Review status: criteria provided, multiple submitters, no conflicts (2 of 4 stars). 3 submissions from 3 submitters: Benign (1); Likely benign (2). Last evaluated 2023-04-18.

Conditions:
Postaxial polydactyly-anterior pituitary anomalies-facial dysmorphism syndrome. Also called: Culler-Jones syndrome. Identifiers: Orphanet 420584, MedGen C4014479, MONDO:0014369, OMIM 615849.
Holoprosencephaly 9 (HPE9). Also called: HOLOPROSENCEPHALY WITH MICROPHTHALMIA AND FIRST BRANCHIAL ARCH ANOMALIES; PITUITARY ANOMALIES WITH HOLOPROSENCEPHALY-LIKE FEATURES. Identifiers: Orphanet 2162, MedGen C1835819, MONDO:0012563, OMIM 610829.

Allele frequency attached by ClinVar (database versions not stated): gnomAD 0.00003 and 0.00005; TOPMed 0.00003; gnomAD exomes 0.00009 and 0.00013; ExAC 0.00015; 1000 Genomes Project 30x 0.00016; 1000 Genomes Project 0.00020.
gnomAD v4.1: 133 of 1,613,886 alleles (0.0082%); highest among the groups gnomAD compares: East Asian, 0.16%; 1 homozygote.

Submissions (3):

Labcorp Genetics (formerly Invitae), Labcorp
Classification: Likely benign for Postaxial polydactyly-anterior pituitary anomalies-facial dysmorphism syndrome; Holoprosencephaly 9. Last evaluated: 2023-04-18. Review status: criteria provided, single submitter. Criteria: Invitae Variant Classification Sherloc (09022015). Collection method: clinical testing. Allele origin: germline.

CeGaT Center for Human Genetics Tuebingen
Classification: Benign. Last evaluated: 2022-04-01. Review status: criteria provided, single submitter. Criteria: CeGaT Center For Human Genetics Tuebingen Variant Classification Criteria Version 2. Collection method: clinical testing. Allele origin: germline. Affected: yes. Observed: 1 variant allele.
Comment: GLI2: BS1, BS2

Illumina Laboratory Services, Illumina
Classification: Likely benign for Holoprosencephaly 9. Last evaluated: 2018-01-12. Review status: criteria provided, single submitter. Criteria: ICSL Variant Classification Criteria 13 December 2019. Collection method: clinical testing. Allele origin: germline.
Comment: This variant was observed in the ICSL laboratory as part of a predisposition screen in an ostensibly healthy population. It had not been previously curated by ICSL or reported in the Human Gene Mutation Database (HGMD: prior to June 1st, 2018), and was therefore a candidate for classification through an automated scoring system. Utilizing variant allele frequency, disease prevalence and penetrance estimates, and inheritance mode, an automated score was calculated to assess if this variant is too frequent to cause the disease. Based on the score and internal cut-off values, a variant classified as likely benign is not then subjected to further curation. The score for this variant resulted in a classification of likely benign for this disease.